The following is an entry in ClinVar:

NM_001395656.1(ROBO2):c.62-14G>T

Gene: ROBO2 (roundabout guidance receptor 2; plus strand). Cytogenetic location: 3p12.3.
Variant type: single nucleotide variant.
Coding change: c.62-14G>T on transcript NM_001395656.1 (MANE Select); 14 bases into the intron before coding-DNA position 62, G replaced by T.
Molecular consequence: intron variant.
Genome position (GRCh38, 1-based): chr3:77,098,000, G>T. VCF-style: chr3-77098000-G-T. GRCh37 (hg19) VCF-style: chr3-77147151-G-T.
Other names: c.110-14G>T (NM_001378191.1, NM_001378195.1, NM_001378196.1 and 5 more transcripts); c.131-14G>T (NM_001394213.1, NM_001378192.1, NM_001378198.1 and 5 more transcripts); c.62-14G>T (NM_001290040.2, NM_001290039.2, NM_001378202.1 and 3 more transcripts); c.-1857-14G>T (NM_001290065.2).
Identifiers: ClinVar variation 346674 (VCV000346674.13), dbSNP rs61731268, ClinGen allele CA2496638.
Genomic context (GRCh38, chr3:77,098,000, plus strand): 5'-CAGGAACCCAAGTGAAACCGAGGGTTTAGATAAGGAAATGTTAAAGCTTGTCTTTATTCC[G>T]TCATGTTTTGTAGGATCGCGTCTTCGCCAGGAGGACTTTCCCCCGCGGATTGTGGAGCAT-3'

ClinVar aggregate classification (germline): Benign. Review status: criteria provided, multiple submitters, no conflicts (2 of 4 stars). 3 submissions from 3 submitters: Benign (3). Last evaluated 2026-01-27.

Conditions:
Vesicoureteral reflux 2 (VUR2). Identifiers: Orphanet 289365, MedGen C1970483, MONDO:0012573, OMIM 610878.

Allele frequency attached by ClinVar (database versions not stated): ESP Exome Variant Server 0.04377; TOPMed 0.04608; 1000 Genomes Project 0.04912; 1000 Genomes Project 30x 0.05059.
gnomAD v4.1: 12,398 of 1,528,602 alleles (0.81%); highest among the groups gnomAD compares: African/African-American, 15%; 878 homozygotes.

Submissions (3):

Labcorp Genetics (formerly Invitae), Labcorp
Classification: Benign. Last evaluated: 2026-01-27. Review status: criteria provided, single submitter. Criteria: Invitae Variant Classification Sherloc (09022015). Collection method: clinical testing. Allele origin: germline.

Illumina Laboratory Services, Illumina
Classification: Benign for Vesicoureteral reflux 2. Last evaluated: 2018-01-13. Review status: criteria provided, single submitter. Criteria: ICSL Variant Classification Criteria 13 December 2019. Collection method: clinical testing. Allele origin: germline.
Comment: This variant was observed in the ICSL laboratory as part of a predisposition screen in an ostensibly healthy population. It had not been previously curated by ICSL or reported in the Human Gene Mutation Database (HGMD: prior to June 1st, 2018), and was therefore a candidate for classification through an automated scoring system. Utilizing variant allele frequency, disease prevalence and penetrance estimates, and inheritance mode, an automated score was calculated to assess if this variant is too frequent to cause the disease. Based on the score and internal cut-off values, a variant classified as benign is not then subjected to further curation. The score for this variant resulted in a classification of benign for this disease.

Breakthrough Genomics
Classification: Benign. Review status: criteria provided, single submitter. Criteria: ACMG Guidelines, 2015. Collection method: not provided. Allele origin: germline. Inheritance: Autosomal dominant inheritance. Affected: yes.